The following is an entry in ClinVar:

NM_025152.3(NUBPL):c.-7C>T

Gene: NUBPL (NUBP iron-sulfur cluster assembly factor, mitochondrial; plus strand). Cytogenetic location: 14q12.
Variant type: single nucleotide variant.
Coding change: c.-7C>T on transcript NM_025152.3 (MANE Select); 7 bases upstream of the start codon, C replaced by T.
Molecular consequence: 5 prime UTR variant. On other transcripts: non-coding transcript variant (1).
Genome position (GRCh38, 1-based): chr14:31,561,433, C>T. VCF-style: chr14-31561433-C-T. GRCh37 (hg19) VCF-style: chr14-32030639-C-T.
Identifiers: ClinVar variation 313018 (VCV000313018.8), dbSNP rs201073307, ClinGen allele CA7147683.
Genomic context (GRCh38, chr14:31,561,433, plus strand): 5'-CGTGACGTCATCACTCCGCGCCACCCGCGACAGTTTCCCAGCAGGGCTCACAGCAGCGTT[C>T]CGCGTCATGGGGATTTGGCAGCGTCTGCTGCTTTTTGGTGGGGTGTCGCTCCGGGCTGGT-3'

ClinVar aggregate classification (germline): Conflicting classifications of pathogenicity. Review status: criteria provided, conflicting classifications (1 of 4 stars). 4 submissions from 4 submitters: Uncertain significance (1); Likely benign (2). 1 of the submissions does not count toward it. Last evaluated 2024-11-18.

Conditions:
Mitochondrial complex I deficiency, nuclear type 1. Also called: NADH-COENZYME Q REDUCTASE DEFICIENCY; MITOCHONDRIAL NADH DEHYDROGENASE COMPONENT OF COMPLEX I, DEFICIENCY OF. Identifiers: MedGen C6022305, MONDO:0100224, OMIM 252010.
NUBPL-related disorder. Also called: NUBPL-related condition.

Allele frequency attached by ClinVar (database versions not stated): gnomAD 0.00016 and 0.00025; gnomAD exomes 0.00028; TOPMed 0.00035; 1000 Genomes Project 30x 0.00078; ExAC 0.00083; 1000 Genomes Project 0.00100.
gnomAD v4.1: 313 of 1,396,836 alleles (0.022%); highest among the groups gnomAD compares: East Asian, 0.79%; 4 homozygotes.

Submissions (4):

Blueprint Genetics
Classification: Likely benign. Last evaluated: 2024-11-18. Review status: criteria provided, single submitter. Criteria: ACMG Guidelines, 2015. Collection method: clinical testing. Allele origin: germline.

Illumina Laboratory Services, Illumina
Classification: Uncertain significance for Mitochondrial complex I deficiency, nuclear type 1. Last evaluated: 2018-01-13. Review status: criteria provided, single submitter. Criteria: ICSL Variant Classification Criteria 13 December 2019. Collection method: clinical testing. Allele origin: germline.

GeneDx
Classification: Likely benign. Last evaluated: 2016-11-17. Review status: criteria provided, single submitter. Criteria: GeneDx Variant Classification (06012015). Collection method: clinical testing. Allele origin: germline. Affected: yes.
Comment: This variant is considered likely benign or benign based on one or more of the following criteria: it is a conservative change, it occurs at a poorly conserved position in the protein, it is predicted to be benign by multiple in silico algorithms, and/or has population frequency not consistent with disease.

PreventionGenetics, part of Exact Sciences
Classification: Likely benign for NUBPL-related condition. Last evaluated: 2022-04-01. Review status: no assertion criteria provided. Collection method: clinical testing. Allele origin: germline. Not counted in ClinVar's aggregate classification.
Comment: This variant is classified as likely benign based on ACMG/AMP sequence variant interpretation guidelines (Richards et al. 2015 PMID: 25741868, with internal and published modifications).